The following is an entry in ClinVar:

NC_000007.13:g.(?_6026384)_(6027257_?)dup

Gene: PMS2 (PMS1 homolog 2, mismatch repair system component; minus strand). Cytogenetic location: 7p22.1.
Variant type: Duplication.
Identifiers: ClinVar variation 455092 (VCV000455092.3).

ClinVar aggregate classification (germline): Likely pathogenic (1 of 4 stars; one submission).

Conditions:
Hereditary nonpolyposis colorectal neoplasms. Identifiers: MedGen C0009405, MeSH D003123.

Submission:

Labcorp Genetics (formerly Invitae), Labcorp
Classification: Likely pathogenic for Hereditary nonpolyposis colon cancer. Last evaluated: 2019-02-27. Review status: criteria provided, single submitter. Criteria: Invitae Variant Classification Sherloc (09022015). Collection method: clinical testing. Allele origin: germline.
Comment: This variant results in a copy number gain of the genomic region encompassing exons 11-12 of the PMS2 gene. While the exact position of this variant cannot be determined from this data, sub-genic copy number gains are generally in tandem (PMID: 25640679) and may result in an absent or disrupted protein product. Similar duplications of exons 11-12 have been reported in individuals with suspected constitutional mismatch repair deficiency syndrome and Lynch syndrome (PMID: 26320870, 25512458). Loss-of-function variants in PMS2 are known to be pathogenic (PMID: 21376568, 24362816). In summary, the currently available evidence indicates that the variant is pathogenic, but additional data are needed to prove that conclusively. Therefore, this variant has been classified as Likely Pathogenic.

Literature cited by the submitters: PubMed 26320870; PubMed 25512458.